The following is an entry in ClinVar:

ClinVar aggregate classification (germline): Uncertain significance (1 of 4 stars; one submission).

Conditions:
Hereditary insensitivity to pain with anhidrosis (CIPA). Also called: hereditary sensory and autonomic neuropathy type 4; HSAN Type IV; FAMILIAL DYSAUTONOMIA, TYPE II; NEUROPATHY, CONGENITAL SENSORY, WITH ANHIDROSIS; NTRK1 Congenital Insensitivity to Pain with Anhidrosis; INSENSITIVITY TO PAIN, CONGENITAL, WITH ANHIDROSIS. Identifiers: Orphanet 642, MedGen C0020074, MONDO:0009746, OMIM 256800.

Allele frequency attached by ClinVar (database versions not stated): TOPMed below 0.00001; gnomAD 0.00001; gnomAD exomes 0.00001.
gnomAD v4.1: 12 of 1,614,038 alleles (0.00074%); highest among the groups gnomAD compares: Non-Finnish European, 0.00093%; no homozygotes.

Submission:

Labcorp Genetics (formerly Invitae), Labcorp
Classification: Uncertain significance for Hereditary insensitivity to pain with anhidrosis. Last evaluated: 2022-01-15. Review status: criteria provided, single submitter. Criteria: Invitae Variant Classification Sherloc (09022015). Collection method: clinical testing. Allele origin: germline.
Comment: This sequence change replaces threonine, which is neutral and polar, with serine, which is neutral and polar, at codon 397 of the NTRK1 protein (p.Thr397Ser). This variant is present in population databases (no rsID available, gnomAD 0.0009%). This variant has not been reported in the literature in individuals affected with NTRK1-related conditions. Advanced modeling of protein sequence and biophysical properties (such as structural, functional, and spatial information, amino acid conservation, physicochemical variation, residue mobility, and thermodynamic stability) performed at Invitae indicates that this missense variant is not expected to disrupt NTRK1 protein function. In summary, the available evidence is currently insufficient to determine the role of this variant in disease. Therefore, it has been classified as a Variant of Uncertain Significance.

NM_002529.4(NTRK1):c.1207A>T (p.Thr403Ser)

Gene: NTRK1 (neurotrophic receptor tyrosine kinase 1; plus strand). Cytogenetic location: 1q23.1.
Variant type: single nucleotide variant.
Coding change: c.1207A>T on transcript NM_002529.4 (MANE Select); coding-DNA position 1207, A replaced by T.
Protein change: p.Thr403Ser; replaces threonine 403 with serine.
Molecular consequence: missense variant.
Genome position (GRCh38, 1-based): chr1:156,874,582, A>T. VCF-style: chr1-156874582-A-T. GRCh37 (hg19) VCF-style: chr1-156844374-A-T.
Other names: c.1207A>T, p.Thr403Ser (NM_001007204.1); c.1099A>T, p.Thr367Ser (NM_001007792.1); c.1189A>T, p.Thr397Ser (NM_001012331.2); short protein forms T403S, T367S, T397S.
Identifiers: ClinVar variation 2192004 (VCV002192004.1), dbSNP rs1403062294, ClinGen allele CA342936433.